The following is an entry in ClinVar:

NM_002458.3(MUC5B):c.7284C>A (p.Ser2428=)

Genes: MUC5B (mucin 5B, oligomeric mucus/gel-forming; plus strand), MUC5B-AS1 (MUC5B antisense RNA 1; minus strand). Cytogenetic location: 11p15.5.
Variant type: single nucleotide variant.
Coding change: c.7284C>A on transcript NM_002458.3 (MANE Select); coding-DNA position 7284, C replaced by A.
Protein change: p.Ser2428=; no amino-acid change (serine 2428 retained).
Molecular consequence: synonymous variant.
Genome position (GRCh38, 1-based): chr11:1,244,164, C>A. VCF-style: chr11-1244164-C-A. GRCh37 (hg19) VCF-style: chr11-1265394-C-A.
Identifiers: ClinVar variation 5040951 (VCV005040951.1).

ClinVar aggregate classification (germline): Likely benign (1 of 4 stars; one submission).

gnomAD v4.1: 164 of 1,612,974 alleles (0.01%); highest among the groups gnomAD compares: South Asian, 0.12%; 6 homozygotes.

Submission:

CeGaT Center for Human Genetics Tuebingen
Classification: Likely benign. Last evaluated: 2026-09-01. Review status: criteria provided, single submitter. Criteria: CeGaT Center For Human Genetics Tuebingen Variant Classification Criteria Version 2. Collection method: clinical testing. Allele origin: germline. Affected: yes. Observed: 1 variant allele.
Comment: MUC5B: BP4, BP7